The following is an entry in ClinVar:

ClinVar aggregate classification (germline): Uncertain significance (1 of 4 stars; one submission).

Allele frequency attached by ClinVar (database versions not stated): gnomAD exomes 0.00003; gnomAD 0.00004; ExAC 0.00009; TOPMed 0.00011.
gnomAD v4.1: 57 of 1,614,032 alleles (0.0035%); highest among the groups gnomAD compares: Admixed American, 0.08%; no homozygotes.

Submission:

Labcorp Genetics (formerly Invitae), Labcorp
Classification: Uncertain significance. Last evaluated: 2024-11-28. Review status: criteria provided, single submitter. Criteria: Invitae Variant Classification Sherloc (09022015). Collection method: clinical testing. Allele origin: germline.
Comment: This sequence change replaces glutamic acid, which is acidic and polar, with lysine, which is basic and polar, at codon 699 of the FBN3 protein (p.Glu699Lys). This variant is present in population databases (rs759888449, gnomAD 0.1%), and has an allele count higher than expected for a pathogenic variant. This variant has not been reported in the literature in individuals affected with FBN3-related conditions. ClinVar contains an entry for this variant (Variation ID: 2717296). Invitae Evidence Modeling of protein sequence and biophysical properties (such as structural, functional, and spatial information, amino acid conservation, physicochemical variation, residue mobility, and thermodynamic stability) indicates that this missense variant is expected to disrupt FBN3 protein function with a positive predictive value of 80%. In summary, the available evidence is currently insufficient to determine the role of this variant in disease. Therefore, it has been classified as a Variant of Uncertain Significance.

NM_032447.5(FBN3):c.2095G>A (p.Glu699Lys)

Gene: FBN3 (fibrillin 3; minus strand). Cytogenetic location: 19p13.2.
Variant type: single nucleotide variant.
Coding change: c.2095G>A on transcript NM_032447.5 (MANE Select); coding-DNA position 2095, G replaced by A.
Protein change: p.Glu699Lys; replaces glutamic acid 699 with lysine.
Molecular consequence: missense variant.
Genome position (GRCh38, 1-based): chr19:8,129,315, C>T on the plus strand (G>A on the coding strand, the complement: FBN3 is on the minus strand). VCF-style: chr19-8129315-C-T. GRCh37 (hg19) VCF-style: chr19-8194199-C-T.
Other names: c.2095G>A, p.Glu699Lys (NM_001321431.2); short protein forms E699K.
Identifiers: ClinVar variation 2717296 (VCV002717296.3), dbSNP rs759888449, ClinGen allele CA9153020.